The following is an entry in ClinVar:

ClinVar aggregate classification (germline): Uncertain significance (1 of 4 stars; one submission).

Conditions:
2-aminoadipic 2-oxoadipic aciduria (AAKAD). Also called: Aminoadipic aciduria; ALPHA-AMINOADIPIC AND ALPHA-KETOADIPIC ACIDURIA. Identifiers: Orphanet 79154, MedGen C1859817, MONDO:0008774, OMIM 204750.

Allele frequency attached by ClinVar (database versions not stated): gnomAD 0.00001; TOPMed 0.00001.
gnomAD v4.1: 1 of 1,612,120 alleles (0.000062%); highest among the groups gnomAD compares: African/African-American, 0.0013%; no homozygotes.

Submission:

Labcorp Genetics (formerly Invitae), Labcorp
Classification: Uncertain significance for 2-aminoadipic 2-oxoadipic aciduria. Last evaluated: 2023-05-30. Review status: criteria provided, single submitter. Criteria: Invitae Variant Classification Sherloc (09022015). Collection method: clinical testing. Allele origin: germline.
Comment: This sequence change replaces serine, which is neutral and polar, with glycine, which is neutral and non-polar, at codon 549 of the DHTKD1 protein (p.Ser549Gly). This variant is present in population databases (no rsID available, gnomAD 0.006%). This variant has not been reported in the literature in individuals affected with DHTKD1-related conditions. Advanced modeling of protein sequence and biophysical properties (such as structural, functional, and spatial information, amino acid conservation, physicochemical variation, residue mobility, and thermodynamic stability) performed at Invitae indicates that this missense variant is not expected to disrupt DHTKD1 protein function. In summary, the available evidence is currently insufficient to determine the role of this variant in disease. Therefore, it has been classified as a Variant of Uncertain Significance.

NM_018706.7(DHTKD1):c.1645A>G (p.Ser549Gly)

Gene: DHTKD1 (dehydrogenase E1 and transketolase domain containing 1; plus strand). Cytogenetic location: 10p14.
Variant type: single nucleotide variant.
Coding change: c.1645A>G on transcript NM_018706.7 (MANE Select); coding-DNA position 1645, A replaced by G.
Protein change: p.Ser549Gly; replaces serine 549 with glycine.
Molecular consequence: missense variant.
Genome position (GRCh38, 1-based): chr10:12,097,970, A>G. VCF-style: chr10-12097970-A-G. GRCh37 (hg19) VCF-style: chr10-12139969-A-G.
Other names: short protein forms S549G.
Identifiers: ClinVar variation 2777727 (VCV002777727.3), dbSNP rs1051083685, ClinGen allele CA202586159.